The following is an entry in ClinVar:

ClinVar aggregate classification (germline): Benign (1 of 4 stars; one submission).

Allele frequency attached by ClinVar (database versions not stated): gnomAD exomes 0.00149 and 0.00426; ExAC 0.00611; gnomAD 0.01517 and 0.01620; 1000 Genomes Project 0.01669; ESP Exome Variant Server 0.01679; TOPMed 0.01770; 1000 Genomes Project 30x 0.01852.
gnomAD v4.1: 3,383 of 1,197,330 alleles (0.28%); highest among the groups gnomAD compares: African/African-American, 5.3%; 70 homozygotes.

Submission:

GeneDx
Classification: Benign. Last evaluated: 2018-06-19. Review status: criteria provided, single submitter. Criteria: GeneDx Variant Classification (06012015). Collection method: clinical testing. Allele origin: germline. Affected: yes.
Comment: This variant is considered likely benign or benign based on one or more of the following criteria: it is a conservative change, it occurs at a poorly conserved position in the protein, it is predicted to be benign by multiple in silico algorithms, and/or has population frequency not consistent with disease.

NM_004006.3(DMD):c.31+83180G>T

Gene: DMD (dystrophin; minus strand). Cytogenetic location: Xp21.1.
Variant type: single nucleotide variant.
Coding change: c.31+83180G>T on transcript NM_004006.3 (MANE Select); 83180 bases into the intron after coding-DNA position 31, G replaced by T.
Molecular consequence: intron variant. On other transcripts: 5 prime UTR variant (1).
Genome position (GRCh38, 1-based): chrX:33,128,102, C>A on the plus strand (G>T on the coding strand, the complement: DMD is on the minus strand). VCF-style: chrX-33128102-C-A. GRCh37 (hg19) VCF-style: chrX-33146219-C-A.
Other names: c.-378G>T (NM_004010.3); c.8-107902G>T (NM_000109.4); c.19+45G>T (NM_004009.3).
Identifiers: ClinVar variation 675973 (VCV000675973.1), dbSNP rs140077080, ClinGen allele CA147826.
Genomic context (GRCh38, chrX:33,128,102, plus strand): 5'-CAAATTGACCAAAAGAGTCACCTTTAGGGAAGCCTGCTTCTGAATGCTTGTGGAATTTAT[C>A]ATTCTTCTGAATGGCTGTTGCATTTATCTGCAGCTTTTACTCACCAGATGAGACCTCAGA-3'